The following is an entry in ClinVar:

NM_000077.5(CDKN2A):c.458-65G>A

Gene: CDKN2A (cyclin dependent kinase inhibitor 2A; minus strand). Cytogenetic location: 9p21.3.
Variant type: single nucleotide variant.
Coding change: c.458-65G>A on transcript NM_000077.5 (MANE Select); 65 bases into the intron before coding-DNA position 458, G replaced by A.
Molecular consequence: intron variant.
Genome position (GRCh38, 1-based): chr9:21,968,307, C>T on the plus strand (G>A on the coding strand, the complement: CDKN2A is on the minus strand). VCF-style: chr9-21968307-C-T. GRCh37 (hg19) VCF-style: chr9-21968306-C-T.
Other names: c.305-65G>A (NM_001363763.2); c.*102-65G>A (NM_058195.4); c.*151-65G>A (NM_001195132.2); c.*381-65G>A (NM_058197.5).
Identifiers: ClinVar variation 4294146 (VCV004294146.1).

ClinVar aggregate classification (germline): Benign (1 of 4 stars; one submission).

Conditions:
Melanoma-pancreatic cancer syndrome. Identifiers: Orphanet 404560, MedGen C1838547, MONDO:0011713, OMIM 606719. Disease mechanism: loss of function.

Submission:

Myriad Genetics, Inc.
Classification: Benign for Melanoma-pancreatic cancer syndrome. Last evaluated: 2025-08-18. Review status: criteria provided, single submitter. Criteria: Myriad Autosomal Dominant, Autosomal Recessive and X-Linked Classification Criteria (2023). Collection method: clinical testing. Allele origin: unknown.
Comment: This variant is considered benign. This variant is intronic and is not expected to impact mRNA splicing.